The following is an entry in ClinVar:

ClinVar aggregate classification (germline): Uncertain significance (1 of 4 stars; one submission).

Conditions:
Inborn genetic diseases. Identifiers: MedGen C0950123, MeSH D030342.

Submission:

Ambry Genetics
Classification: Uncertain significance for Inborn genetic diseases. Last evaluated: 2025-01-21. Review status: criteria provided, single submitter. Criteria: Ambry Variant Classification Scheme 2023. Collection method: clinical testing. Allele origin: germline.
Comment: The p.K755E variant (also known as c.2263A>G), located in coding exon 21 of the ANKRD26 gene, results from an A to G substitution at nucleotide position 2263. The lysine at codon 755 is replaced by glutamic acid, an amino acid with similar properties. This amino acid position is conserved. In addition, this alteration is predicted to be tolerated by in silico analysis. Based on the available evidence, the clinical significance of this variant remains unclear.

NM_014915.3(ANKRD26):c.2263A>G (p.Lys755Glu)

Gene: ANKRD26 (ankyrin repeat domain containing 26; minus strand). Cytogenetic location: 10p12.1.
Variant type: single nucleotide variant.
Coding change: c.2263A>G on transcript NM_014915.3 (MANE Select); coding-DNA position 2263, A replaced by G.
Protein change: p.Lys755Glu; replaces lysine 755 with glutamic acid.
Molecular consequence: missense variant.
Genome position (GRCh38, 1-based): chr10:27,040,077, T>C on the plus strand (A>G on the coding strand, the complement: ANKRD26 is on the minus strand). VCF-style: chr10-27040077-T-C. GRCh37 (hg19) VCF-style: chr10-27329006-T-C.
Other names: c.2260A>G, p.Lys754Glu (NM_001256053.2); short protein forms K755E, K754E.
Identifiers: ClinVar variation 3870667 (VCV003870667.1).
Genomic context (GRCh38, chr10:27,040,077, plus strand): 5'-ATTTTATTTCTTTTGTTTCAGATAGCTCCCTTTGTAGTACATTAACCTTGTCTTCCATTT[T>C]TTTAATTTTTACTGTAAGTAGTTCACAGTGATTTTTTTTAAGTTCTAATAATCTTTCACA-3'
Protein context (NP_055730.2, residues 745-765): HCELLTVKIK[Lys755Glu]MEDKVNVLQR